The following is an entry in ClinVar:

NM_015205.3(ATP11A):c.1418G>A (p.Arg473Gln)

Gene: ATP11A (ATPase phospholipid transporting 11A; plus strand). Cytogenetic location: 13q34.
Variant type: single nucleotide variant.
Coding change: c.1418G>A on transcript NM_015205.3 (MANE Select); coding-DNA position 1418, G replaced by A.
Protein change: p.Arg473Gln; replaces arginine 473 with glutamine.
Molecular consequence: missense variant.
Genome position (GRCh38, 1-based): chr13:112,832,882, G>A. VCF-style: chr13-112832882-G-A. GRCh37 (hg19) VCF-style: chr13-113487196-G-A.
Other names: c.1418G>A, p.Arg473Gln (NM_032189.4); short protein forms R473Q.
Identifiers: ClinVar variation 725683 (VCV000725683.4), dbSNP rs138532095, ClinGen allele CA7056777.

ClinVar aggregate classification (germline): Likely benign. Review status: criteria provided, multiple submitters, no conflicts (2 of 4 stars). 2 submissions from 2 submitters: Likely benign (2). Last evaluated 2026-02-26.

Conditions:
ATP11A-related disorder. Also called: ATP11A-related condition.

Allele frequency attached by ClinVar (database versions not stated): gnomAD 0.00011 and 0.00019; ESP Exome Variant Server 0.00015; TOPMed 0.00037; 1000 Genomes Project 0.00140; 1000 Genomes Project 30x 0.00141.
gnomAD v4.1: 466 of 1,613,380 alleles (0.029%); highest among the groups gnomAD compares: East Asian, 0.73%; 1 homozygote.

Submissions (2):

PreventionGenetics, part of Exact Sciences
Classification: Likely benign for ATP11A-related condition. Last evaluated: 2026-02-26. Review status: criteria provided, single submitter. Criteria: ACMG Guidelines, 2015. Collection method: clinical testing. Allele origin: germline.
Comment: This variant is classified as likely benign based on ACMG/AMP sequence variant interpretation guidelines (Richards et al. 2015 PMID: 25741868, with internal and published modifications).

Labcorp Genetics (formerly Invitae), Labcorp
Classification: Likely benign. Last evaluated: 2018-07-17. Review status: criteria provided, single submitter. Criteria: Invitae Variant Classification Sherloc (09022015). Collection method: clinical testing. Allele origin: germline.